The following is an entry in ClinVar:

ClinVar aggregate classification (germline): Pathogenic (1 of 4 stars; one submission).

Conditions:
Polycystic kidney disease 2 (PKD2). Also called: POLYCYSTIC KIDNEY DISEASE, ADULT, TYPE II; Polycystic Kidney Disease 2, Autosomal Dominant; POLYCYSTIC KIDNEY DISEASE 2 WITH OR WITHOUT POLYCYSTIC LIVER DISEASE. Identifiers: MedGen C2751306, MONDO:0013131, OMIM 613095.

Submission:

Juno Genomics, Hangzhou Juno Genomics, Inc
Classification: Pathogenic for Polycystic kidney disease 2. Review status: criteria provided, single submitter. Criteria: ACMG Guidelines, 2015. Collection method: clinical testing. Allele origin: germline. Affected: yes.
Comment: Absent from controls (or at extremely low frequency if recessive) in Genome Aggregation Database, Exome Sequencing Project, 1000 Genomes Project, or Exome Aggregation Consortium.;Null variant in a gene where loss of function (LOF) is a known mechanism of disease.;The prevalence of the variant in affected individuals is significantly increased compared to the prevalence in controls.;Patient's phenotype or family history is highly specific for a disease with a single genetic etiology.

NM_000297.4(PKD2):c.1449dup (p.Ile484fs)

Gene: PKD2 (polycystin 2, transient receptor potential cation channel; plus strand). Cytogenetic location: 4q22.1.
Variant type: Duplication.
Coding change: c.1449dup on transcript NM_000297.4 (MANE Select); coding-DNA position 1449, one base duplicated (T; older notation c.1449dupT).
Protein change: p.Ile484fs; shifts the reading frame from isoleucine 484.
Molecular consequence: frameshift variant. On other transcripts: non-coding transcript variant (1).
Genome position (GRCh38, 1-based): chr4:88,046,771, T duplicated; the last of 3 consecutive T bases (chr4:88,046,769-88,046,771); duplicating any one gives the same sequence. VCF-style (leftmost placement, unchanged base first): chr4-88046768-C-CT. GRCh37 (hg19) VCF-style: chr4-88967920-C-CT.
Other names: short protein forms I484fs.
Identifiers: ClinVar variation 3382340 (VCV003382340.2).